The following is an entry in ClinVar:

ClinVar aggregate classification (germline): Uncertain significance. Review status: criteria provided, multiple submitters, no conflicts (2 of 4 stars). 4 submissions from 4 submitters: Uncertain significance (4). Last evaluated 2025-10-01.

Conditions:
Kabuki syndrome. Also called: NIIKAWA-KUROKI SYNDROME; Kabuki make-up syndrome. Identifiers: Orphanet 2322, MedGen C0796004, MONDO:0016512.

Allele frequency attached by ClinVar (database versions not stated): gnomAD exomes below 0.00001.
gnomAD v4.1: 5 of 1,614,074 alleles (0.00031%); highest among the groups gnomAD compares: Non-Finnish European, 0.00042%; no homozygotes.

Submissions (4):

CeGaT Center for Human Genetics Tuebingen
Classification: Uncertain significance. Last evaluated: 2025-10-01. Review status: criteria provided, single submitter. Criteria: CeGaT Center For Human Genetics Tuebingen Variant Classification Criteria Version 2. Collection method: clinical testing. Allele origin: germline. Affected: yes. Observed: 1 variant allele.

Labcorp Genetics (formerly Invitae), Labcorp
Classification: Uncertain significance for Kabuki syndrome. Last evaluated: 2025-05-04. Review status: criteria provided, single submitter. Criteria: Invitae Variant Classification Sherloc (09022015). Collection method: clinical testing. Allele origin: germline.
Comment: This sequence change replaces arginine, which is basic and polar, with histidine, which is basic and polar, at codon 1759 of the KMT2D protein (p.Arg1759His). This variant is not present in population databases (gnomAD no frequency). This variant has not been reported in the literature in individuals affected with KMT2D-related conditions. ClinVar contains an entry for this variant (Variation ID: 1320663). Invitae Evidence Modeling of protein sequence and biophysical properties (such as structural, functional, and spatial information, amino acid conservation, physicochemical variation, residue mobility, and thermodynamic stability) indicates that this missense variant is not expected to disrupt KMT2D protein function with a negative predictive value of 95%. In summary, the available evidence is currently insufficient to determine the role of this variant in disease. Therefore, it has been classified as a Variant of Uncertain Significance.

Blueprint Genetics
Classification: Uncertain significance. Last evaluated: 2021-07-21. Review status: criteria provided, single submitter. Criteria: ACMG Guidelines, 2015. Collection method: clinical testing. Allele origin: germline.

GeneDx
Classification: Uncertain significance. Last evaluated: 2021-05-05. Review status: criteria provided, single submitter. Criteria: GeneDx Variant Classification Process June 2021. Collection method: clinical testing. Allele origin: germline. Affected: yes.
Comment: Not observed at significant frequency in large population cohorts (Lek et al., 2016); In silico analysis supports that this missense variant has a deleterious effect on protein structure/function; Has not been previously published as pathogenic or benign to our knowledge

NM_003482.4(KMT2D):c.5276G>A (p.Arg1759His)

Gene: KMT2D (lysine methyltransferase 2D; minus strand). Cytogenetic location: 12q13.12.
Variant type: single nucleotide variant.
Coding change: c.5276G>A on transcript NM_003482.4 (MANE Select); coding-DNA position 5276, G replaced by A.
Protein change: p.Arg1759His; replaces arginine 1759 with histidine.
Molecular consequence: missense variant.
Genome position (GRCh38, 1-based): chr12:49,043,911, C>T on the plus strand (G>A on the coding strand, the complement: KMT2D is on the minus strand). VCF-style: chr12-49043911-C-T. GRCh37 (hg19) VCF-style: chr12-49437694-C-T.
Other names: short protein forms R1759H.
Identifiers: ClinVar variation 1320663 (VCV001320663.16), dbSNP rs1592142110, ClinGen allele CA384634739.